The following is an entry in ClinVar:

NM_001148.6(ANK2):c.2942T>C (p.Met981Thr)

Gene: ANK2 (ankyrin 2; plus strand). Cytogenetic location: 4q26.
Variant type: single nucleotide variant.
Coding change: c.2942T>C on transcript NM_001148.6 (MANE Select); coding-DNA position 2942, T replaced by C.
Protein change: p.Met981Thr; replaces methionine 981 with threonine.
Molecular consequence: missense variant.
Genome position (GRCh38, 1-based): chr4:113,330,287, T>C. VCF-style: chr4-113330287-T-C. GRCh37 (hg19) VCF-style: chr4-114251443-T-C.
Other names: c.2915T>C, p.Met972Thr (NM_001127493.3); c.2954T>C, p.Met985Thr (NM_001354225.2); c.2942T>C, p.Met981Thr (NM_001354228.2, NM_001354258.2, NM_020977.5); c.3020T>C, p.Met1007Thr (NM_001354230.2, NM_001354237.2); c.2984T>C, p.Met995Thr (NM_001354231.2, NM_001354242.2); c.2978T>C, p.Met993Thr (NM_001354232.2); c.2939T>C, p.Met980Thr (NM_001354235.2, NM_001354236.2, NM_001354246.2 and 1 more transcripts); c.2912T>C, p.Met971Thr (NM_001354239.2, NM_001354252.2, NM_001354272.2); and 23 more; short protein forms M1000T, M1007T, M1020T, M1028T, M190T, M202T, M853T, M886T.
Identifiers: ClinVar variation 2430788 (VCV002430788.1), dbSNP rs2153923095, ClinGen allele CA357934983.
Genomic context (GRCh38, chr4:113,330,287, plus strand): 5'-CTTCTATTTTAATTTTTAGTTTCCTGGTTAGTTTTATGGTGGATGCCCGAGGTGGTGCTA[T>C]GCGAGGATGCAGACACAATGGGCTCCGAATCATTATTCCACCTCGGAAATGTACTGCTCC-3'
Protein context (NP_001139.3, residues 971-991): SFMVDARGGA[Met981Thr]RGCRHNGLRI

ClinVar aggregate classification (germline): Uncertain significance (1 of 4 stars; one submission).

Allele frequency attached by ClinVar (database versions not stated): gnomAD exomes below 0.00001.
gnomAD v4.1: 1 of 1,614,202 alleles (0.000062%); highest among the groups gnomAD compares: Non-Finnish European, 0.000085%; no homozygotes.

Submission:

GeneDx
Classification: Uncertain significance. Last evaluated: 2022-08-15. Review status: criteria provided, single submitter. Criteria: GeneDx Variant Classification Process June 2021. Collection method: clinical testing. Allele origin: germline. Affected: yes.
Comment: Not observed at significant frequency in large population cohorts (gnomAD); In silico analysis supports that this missense variant has a deleterious effect on protein structure/function; Has not been previously published as pathogenic or benign to our knowledge